The following is an entry in ClinVar:

NM_015443.4(KANSL1):c.1781G>A (p.Arg594His)

Gene: KANSL1 (KAT8 regulatory NSL complex subunit 1). Cytogenetic location: 17q21.31.
Variant type: single nucleotide variant.
Coding change: c.1781G>A on transcript NM_015443.4 (MANE Select); coding-DNA position 1781, G replaced by A.
Protein change: p.Arg594His; replaces arginine 594 with histidine.
Molecular consequence: missense variant.
Genome position (GRCh38, 1-based): chr17:46,066,604, C>T on the plus strand (G>A on the coding strand, the complement: KANSL1 is on the minus strand). VCF-style: chr17-46066604-C-T. GRCh37 (hg19) VCF-style: chr17-44143970-C-T.
Other names: c.1781G>A, p.Arg594His (NM_001193465.2, NM_001193466.2, NM_001379198.1); short protein forms R594H.
Identifiers: ClinVar variation 379692 (VCV000379692.4), dbSNP rs1057520691, ClinGen allele CA16607703.

ClinVar aggregate classification (germline): Conflicting classifications of pathogenicity. Review status: criteria provided, conflicting classifications (1 of 4 stars). 2 submissions from 2 submitters: Uncertain significance (1); Likely benign (1). Last evaluated 2025-07-21.

Conditions:
Koolen-de Vries syndrome (KDVS). Identifiers: Orphanet 96169, MedGen C1864871, MONDO:0012496, OMIM 610443.

Allele frequency attached by ClinVar (database versions not stated): gnomAD exomes below 0.00001; gnomAD 0.00001.
gnomAD v4.1: 2 of 1,614,050 alleles (0.00012%); highest among the groups gnomAD compares: Non-Finnish European, 0.00017%; no homozygotes.

Submissions (2):

Labcorp Genetics (formerly Invitae), Labcorp
Classification: Uncertain significance for Koolen-de Vries syndrome. Last evaluated: 2025-07-21. Review status: criteria provided, single submitter. Criteria: Invitae Variant Classification Sherloc (09022015). Collection method: clinical testing. Allele origin: germline.
Comment: This sequence change replaces arginine, which is basic and polar, with histidine, which is basic and polar, at codon 594 of the KANSL1 protein (p.Arg594His). This variant is present in population databases (no rsID available, gnomAD 0.007%). This variant has not been reported in the literature in individuals affected with KANSL1-related conditions. ClinVar contains an entry for this variant (Variation ID: 379692). Invitae Evidence Modeling of protein sequence and biophysical properties (such as structural, functional, and spatial information, amino acid conservation, physicochemical variation, residue mobility, and thermodynamic stability) indicates that this missense variant is expected to disrupt KANSL1 protein function with a positive predictive value of 80%. In summary, the available evidence is currently insufficient to determine the role of this variant in disease. Therefore, it has been classified as a Variant of Uncertain Significance.

GeneDx
Classification: Likely benign. Last evaluated: 2015-05-11. Review status: criteria provided, single submitter. Criteria: GeneDx Variant Classification (06012015). Collection method: clinical testing. Allele origin: germline. Affected: yes.
Comment: This variant is considered likely benign or benign based on one or more of the following criteria: it is a conservative change, it occurs at a poorly conserved position in the protein, it is predicted to be benign by multiple in silico algorithms, and/or has population frequency not consistent with disease.